The following is an entry in ClinVar:

ClinVar aggregate classification (germline): Uncertain significance (1 of 4 stars; one submission).

Submission:

Ambry Genetics
Classification: Uncertain significance. Last evaluated: 2024-09-13. Review status: criteria provided, single submitter. Criteria: Ambry Variant Classification Scheme 2023. Collection method: clinical testing. Allele origin: germline.
Comment: The p.G24D variant (also known as c.71G>A), located in coding exon 1 of the POLQ gene, results from a G to A substitution at nucleotide position 71. The glycine at codon 24 is replaced by aspartic acid, an amino acid with similar properties. This amino acid position is conserved. In addition, this alteration is predicted to be tolerated by in silico analysis. Based on the available evidence, the clinical significance of this variant remains unclear.

NM_199420.4(POLQ):c.71G>A (p.Gly24Asp)

Genes: POLQ (DNA polymerase theta; minus strand), LOC112872292 (Sharpr-MPRA regulatory region 30; plus strand). Cytogenetic location: 3q13.33.
Variant type: single nucleotide variant.
Coding change: c.71G>A on transcript NM_199420.4 (MANE Select); coding-DNA position 71, G replaced by A.
Protein change: p.Gly24Asp; replaces glycine 24 with aspartic acid.
Molecular consequence: missense variant.
Genome position (GRCh38, 1-based): chr3:121,545,807, C>T on the plus strand (G>A on the coding strand, the complement: POLQ is on the minus strand). VCF-style: chr3-121545807-C-T. GRCh37 (hg19) VCF-style: chr3-121264654-C-T.
Other names: short protein forms G24D.
Identifiers: ClinVar variation 3422544 (VCV003422544.1).
Genomic context (GRCh38, chr3:121,545,807, plus strand): 5'-CCGGGCGGCGGGCTCAGCACGGACCCGGAGAGGAACTGGGGGCTGGCACTGCTGTCACCG[C>T]CGCTTCCCGAGAACGAATCTGAGCCTGATTCTGAACGCCGCCGTTTCCCACTCCGACGCA-3'
Protein context (NP_955452.3, residues 14-34): ESGSDSFSGS[Gly24Asp]GDSSASPQFL